The following is an entry in ClinVar:

ClinVar aggregate classification (germline): Uncertain significance (1 of 4 stars; one submission).

Conditions:
Developmental delay with or without dysmorphic facies and autism. Identifiers: MedGen C5193106, MONDO:0032760, OMIM 618454.

Submission:

Clinical Genomics, G42 Labs
Classification: Uncertain significance for Developmental delay with or without dysmorphic facies and autism. Last evaluated: 2025-02-27. Review status: criteria provided, single submitter. Criteria: ACMG Guidelines, 2015. Collection method: clinical testing. Allele origin: germline. Inheritance: Autosomal dominant inheritance. Affected: yes. Observed: 1 variant allele.
Comment: The c.976C>T, p.(His326Tyr) is a missense variant in the TRRAP gene, which results in the amino acid substitution of Tyrosine for Histidine at codon 326. The variant is absent from controls in GnomAD population. In silico prediction programs indicated moderate deleterious effect on the gene or gene product. This variant has not been reported in the literature. The available evidence is currently insufficient to determine the role of this variant in disease. Based on the above reasons, this variant is classified as variant of uncertain significance. ACMG Criteria: PM2, PP3 - VUS

NM_001375524.1(TRRAP):c.976C>T (p.His326Tyr)

Gene: TRRAP (transformation/transcription domain associated protein; plus strand). Cytogenetic location: 7q22.1.
Variant type: single nucleotide variant.
Coding change: c.976C>T on transcript NM_001375524.1 (MANE Select); coding-DNA position 976, C replaced by T.
Protein change: p.His326Tyr; replaces histidine 326 with tyrosine.
Molecular consequence: missense variant.
Genome position (GRCh38, 1-based): chr7:98,903,457, C>T. VCF-style: chr7-98903457-C-T. GRCh37 (hg19) VCF-style: chr7-98501080-C-T.
Other names: c.976C>T, p.His326Tyr (NM_001244580.2, NM_003496.4); short protein forms H326Y.
Identifiers: ClinVar variation 3777052 (VCV003777052.1).